The following is an entry in ClinVar:

ClinVar aggregate classification (germline): Conflicting classifications of pathogenicity. Review status: criteria provided, conflicting classifications (1 of 4 stars). 18 submissions from 18 submitters: Uncertain significance (1); Benign (10); Likely benign (7). Last evaluated 2026-03-01.

Conditions:
Polymicrogyria with or without vascular-type Ehlers-Danlos syndrome. Identifiers: Orphanet 636941, MedGen C5193040, MONDO:0032688, OMIM 618343.
Ehlers-Danlos syndrome (EDS). Identifiers: Orphanet 98249, MedGen C0013720, MONDO:0020066.
Familial thoracic aortic aneurysm and aortic dissection (TAAD). Also called: Thoracic aortic aneurysms and dissections. Identifiers: Orphanet 91387, MedGen C4707243, MONDO:0019625.
Ehlers-Danlos syndrome, type 4 (EDSVASC). Also called: Ehlers-Danlos syndrome vascular type; Ehlers Danlos syndrome, ecchymotic type; Ehlers Danlos syndrome, arterial type; Ehlers Danlos syndrome, Sack-Barabas type; Ehlers-Danlos Syndrome Type IV. Identifiers: Orphanet 286, MedGen C0268338, MONDO:0017314, OMIM 130050.

Allele frequency attached by ClinVar (database versions not stated): TOPMed 0.00080; 1000 Genomes Project 30x 0.00219; 1000 Genomes Project 0.00220.
gnomAD v4.1: 2,416 of 1,613,868 alleles (0.15%); highest among the groups gnomAD compares: South Asian, 0.83%; 14 homozygotes.

Submissions (18):

CeGaT Center for Human Genetics Tuebingen
Classification: Likely benign. Last evaluated: 2026-03-01. Review status: criteria provided, single submitter. Criteria: CeGaT Center For Human Genetics Tuebingen Variant Classification Criteria Version 2. Collection method: clinical testing. Allele origin: germline. Affected: yes. Observed: 17 variant alleles.
Comment: COL3A1: BS2

Labcorp Genetics (formerly Invitae), Labcorp
Classification: Benign for Ehlers-Danlos syndrome, type 4. Last evaluated: 2026-02-03. Review status: criteria provided, single submitter. Criteria: Invitae Variant Classification Sherloc (09022015). Collection method: clinical testing. Allele origin: germline.

Molecular Diagnostic Laboratory for Inherited Cardiovascular Disease, Montreal Heart Institute
Classification: Likely benign. Last evaluated: 2025-04-09. Review status: criteria provided, single submitter. Criteria: ACMG Guidelines, 2015. Collection method: clinical testing. Allele origin: germline. Affected: no.

ARUP Laboratories, Molecular Genetics and Genomics, ARUP Laboratories
Classification: Benign. Last evaluated: 2025-03-05. Review status: criteria provided, single submitter. Criteria: ARUP Molecular Germline Variant Investigation Process 2024. Collection method: clinical testing. Allele origin: germline.

Blueprint Genetics
Classification: Likely benign. Last evaluated: 2024-11-26. Review status: criteria provided, single submitter. Criteria: ACMG Guidelines, 2015. Collection method: clinical testing. Allele origin: germline.

Molecular Genetics, Royal Melbourne Hospital
Classification: Likely benign for Polymicrogyria with or without vascular-type Ehlers-Danlos syndrome. Last evaluated: 2023-08-01. Review status: criteria provided, single submitter. Criteria: ACMG Guidelines, 2015. Collection method: clinical testing. Allele origin: germline. Inheritance: Autosomal recessive inheritance.

Genome Diagnostics Laboratory, The Hospital for Sick Children
Classification: Likely benign for Ehlers-Danlos syndrome. Last evaluated: 2021-12-20. Review status: criteria provided, single submitter. Criteria: ACMG Guidelines, 2015. Collection method: clinical testing. Allele origin: germline.

Mayo Clinic Laboratories, Mayo Clinic
Classification: Benign. Last evaluated: 2020-07-08. Review status: criteria provided, single submitter. Criteria: ACMG Guidelines, 2015. Collection method: clinical testing. Allele origin: germline. Observed: 7 variant alleles.

GeneDx
Classification: Benign. Last evaluated: 2019-06-21. Review status: criteria provided, single submitter. Criteria: GeneDx Variant Classification Process June 2021. Collection method: clinical testing. Allele origin: germline. Affected: yes.
Comment: This variant is associated with the following publications: (PMID: 25525159, 8514866, 27153395, 25834947)

Color Diagnostics, LLC DBA Color Health
Classification: Benign for Familial thoracic aortic aneurysm and aortic dissection. Last evaluated: 2018-03-16. Review status: criteria provided, single submitter. Criteria: ACMG Guidelines, 2015. Collection method: clinical testing. Allele origin: germline.

Illumina Laboratory Services, Illumina
Classification: Benign for Ehlers-Danlos syndrome, type 4. Last evaluated: 2018-03-06. Review status: criteria provided, single submitter. Criteria: ICSL Variant Classification Criteria 13 December 2019. Collection method: clinical testing. Allele origin: germline.
Comment: This variant was observed in the ICSL laboratory as part of a predisposition screen in an ostensibly healthy population. It had not been previously curated by ICSL or reported in the Human Gene Mutation Database (HGMD: prior to June 1st, 2018), and was therefore a candidate for classification through an automated scoring system. Utilizing variant allele frequency, disease prevalence and penetrance estimates, and inheritance mode, an automated score was calculated to assess if this variant is too frequent to cause the disease. Based on the score and internal cut-off values, a variant classified as benign is not then subjected to further curation. The score for this variant resulted in a classification of benign for this disease.

Center for Pediatric Genomic Medicine, Children's Mercy Hospital and Clinics
Classification: Likely benign. Last evaluated: 2017-08-29. Review status: criteria provided, single submitter. Criteria: ACMG Guidelines, 2015. Collection method: clinical testing. Allele origin: germline.

CHEO Genetics Diagnostic Laboratory, Children's Hospital of Eastern Ontario
Classification: Benign for Familial thoracic aortic aneurysm and aortic dissection. Last evaluated: 2017-08-23. Review status: criteria provided, single submitter. Criteria: ACMG Guidelines, 2015. Collection method: clinical testing. Allele origin: germline. Study: Canadian Open Genetics Repository.

Women's Health and Genetics/Laboratory Corporation of America, LabCorp
Classification: Benign. Last evaluated: 2017-04-17. Review status: criteria provided, single submitter. Criteria: LabCorp Variant Classification Summary - May 2015. Collection method: clinical testing. Allele origin: germline.
Comment: Variant summary: The COL3A1 c.2002C>A (p.Pro668Thr) variant involves the alteration of a conserved nucleotide, resulting in a missense substitution. 4/5 in silico tools predict a damaging outcome for this variant, although the change still may be tolerated. This variant was found in the large control datasets of ExAC and gnomAD at a frequency of 0.00174 and 0.001629 (210/120672 and 451/276924 chrs tested, respectively), predominantly in South Asian individuals, including 5 homozygotes. The observed frequencies exceed the estimated maximal expected allele frequency of a pathogenic COL3A1 variant (0.0000013), indicating that the variant is a benign polymorphism. The variant of interest has been reported in several affected individuals via publications, but has failed to segregate with the disease (Tromp, 1993). Lastly, it has been classified as Benign/Likely Benign by multiple clinical diagnostic laboratories/reputable databases. Taking together, the variant is classified as Benign.

Center for Human Genetics, Inc
Classification: Uncertain significance for Ehlers-Danlos syndrome, type 4. Last evaluated: 2016-11-01. Review status: criteria provided, single submitter. Criteria: ACMG Guidelines, 2015. Collection method: clinical testing. Allele origin: germline. Affected: yes.

Ambry Genetics
Classification: Benign for Familial thoracic aortic aneurysm and aortic dissection. Last evaluated: 2015-09-03. Review status: criteria provided, single submitter. Criteria: Ambry Variant Classification Scheme 2023. Collection method: clinical testing. Allele origin: germline.

Laboratory for Molecular Medicine, Mass General Brigham Personalized Medicine
Classification: Benign. Last evaluated: 2015-05-08. Review status: criteria provided, single submitter. Criteria: LMM Criteria. Collection method: clinical testing. Allele origin: germline. Observed: 1 variant allele.
Comment: p.Pro668Thr in exon 29 of COL3A1: This variant is not expected to have clinical significance it has been identified in 0.8% (129/16334) of South Asian chromosom es and 0.1% (71/66412) European chromosomes by the Exome Aggregation Consortium (ExAC; dbSNP rs1801183). This variant has been r eported in one adult with abdominal aortic aneurysm and a nephew with an intracr anial aneurysm; however, the variant was also identifed in two unaffected, elder ly brothers (Tromp 1993).

PreventionGenetics, part of Exact Sciences
Classification: Likely benign. Review status: criteria provided, single submitter. Criteria: ACMG Guidelines, 2015. Collection method: clinical testing. Allele origin: germline.

Literature cited by the submitters: PubMed 22019127 (cited by Women's Health and Genetics/Laboratory Corporation of America, LabCorp); PubMed 25503501 (cited by Women's Health and Genetics/Laboratory Corporation of America, LabCorp); PubMed 26188975 (cited by Women's Health and Genetics/Laboratory Corporation of America, LabCorp); PubMed 8514866 (cited by 3 submitters).

NM_000090.4(COL3A1):c.2002C>A (p.Pro668Thr)

Gene: COL3A1 (collagen type III alpha 1 chain; plus strand). Cytogenetic location: 2q32.2.
Variant type: single nucleotide variant.
Coding change: c.2002C>A on transcript NM_000090.4 (MANE Select); coding-DNA position 2002, C replaced by A.
Protein change: p.Pro668Thr; replaces proline 668 with threonine.
Molecular consequence: missense variant.
Genome position (GRCh38, 1-based): chr2:188,998,698, C>A. VCF-style: chr2-188998698-C-A. GRCh37 (hg19) VCF-style: chr2-189863424-C-A.
Other names: short protein forms P668T.
Identifiers: ClinVar variation 199726 (VCV000199726.115), dbSNP rs1801183, ClinGen allele CA004851.